The following is an entry in ClinVar:

NM_015047.3(EMC1):c.2834C>T (p.Thr945Ile)

Genes: EMC1 (ER membrane protein complex subunit 1; minus strand), EMC1-AS1 (EMC1 antisense RNA 1; plus strand). Cytogenetic location: 1p36.13.
Variant type: single nucleotide variant.
Coding change: c.2834C>T on transcript NM_015047.3 (MANE Select); coding-DNA position 2834, C replaced by T.
Protein change: p.Thr945Ile; replaces threonine 945 with isoleucine.
Molecular consequence: missense variant.
Genome position (GRCh38, 1-based): chr1:19,219,451, G>A on the plus strand (C>T on the coding strand, the complement: EMC1 is on the minus strand). VCF-style: chr1-19219451-G-A. GRCh37 (hg19) VCF-style: chr1-19545945-G-A.
Other names: c.2831C>T, p.Thr944Ile (NM_001271427.2, NM_001271428.2); c.2768C>T, p.Thr923Ile (NM_001271429.2); c.2843C>T, p.Thr948Ile (NM_001375820.1); c.2840C>T, p.Thr947Ile (NM_001375821.1); short protein forms T944I, T947I, T945I, T948I, T923I.
Identifiers: ClinVar variation 840139 (VCV000840139.11), dbSNP rs961387374, ClinGen allele CA18808129.

ClinVar aggregate classification (germline): Uncertain significance (1 of 4 stars; one submission).

Allele frequency attached by ClinVar (database versions not stated): TOPMed below 0.00001; gnomAD exomes 0.00002.
gnomAD v4.1: 8 of 1,613,944 alleles (0.0005%); highest among the groups gnomAD compares: Admixed American, 0.01%; no homozygotes.

Submission:

Labcorp Genetics (formerly Invitae), Labcorp
Classification: Uncertain significance. Last evaluated: 2025-11-12. Review status: criteria provided, single submitter. Criteria: Invitae Variant Classification Sherloc (09022015). Collection method: clinical testing. Allele origin: germline.
Comment: This sequence change replaces threonine, which is neutral and polar, with isoleucine, which is neutral and non-polar, at codon 945 of the EMC1 protein (p.Thr945Ile). This variant is present in population databases (no rsID available, gnomAD 0.01%). This variant has not been reported in the literature in individuals affected with EMC1-related conditions. ClinVar contains an entry for this variant (Variation ID: 840139). Invitae Evidence Modeling of protein sequence and biophysical properties (such as structural, functional, and spatial information, amino acid conservation, physicochemical variation, residue mobility, and thermodynamic stability) indicates that this missense variant is expected to disrupt EMC1 protein function with a positive predictive value of 80%. In summary, the available evidence is currently insufficient to determine the role of this variant in disease. Therefore, it has been classified as a Variant of Uncertain Significance.